The following is an entry in ClinVar:

NM_025114.4(CEP290):c.4343C>G (p.Pro1448Arg)

Gene: CEP290 (centrosomal protein 290; minus strand). Cytogenetic location: 12q21.32.
Variant type: single nucleotide variant.
Coding change: c.4343C>G on transcript NM_025114.4 (MANE Select); coding-DNA position 4343, C replaced by G.
Protein change: p.Pro1448Arg; replaces proline 1448 with arginine.
Molecular consequence: missense variant.
Genome position (GRCh38, 1-based): chr12:88,086,133, G>C on the plus strand (C>G on the coding strand, the complement: CEP290 is on the minus strand). VCF-style: chr12-88086133-G-C. GRCh37 (hg19) VCF-style: chr12-88479910-G-C.
Other names: c.4343C>G (NM_025114.3); short protein forms P1448R.
Identifiers: ClinVar variation 1020611 (VCV001020611.12), dbSNP rs757356455, ClinGen allele CA6711961.

ClinVar aggregate classification (germline): Uncertain significance. Review status: criteria provided, multiple submitters, no conflicts (2 of 4 stars). 5 submissions from 5 submitters: Uncertain significance (4). 1 of the submissions does not count toward it. Last evaluated 2026-02-17.

Conditions:
CEP290-related disorder. Also called: CEP290-related disorders; CEP290-related condition. Identifiers: MedGen CN239314.
Joubert syndrome. Also called: Familial aplasia of the vermis; JOUBERT-BOLTSHAUSER SYNDROME. Identifiers: Orphanet 475, MedGen C5979921, MONDO:0018772.
Nephronophthisis. Also called: Juvenile Nephronophthisis. Identifiers: Orphanet 655, MedGen C0687120, MONDO:0019005, HP:0000090.
Meckel-Gruber syndrome. Also called: DYSENCEPHALIA SPLANCHNOCYSTICA; GRUBER SYNDROME; Dysencephalia splachnocystica. Identifiers: Orphanet 564, MedGen C0265215, MONDO:0018921.
Bardet-Biedl syndrome 14 (BBS14). Identifiers: Orphanet 110, MedGen C2673874, MONDO:0014442, OMIM 615991.
Meckel syndrome, type 4 (MKS4). Also called: MECKEL-GRUBER SYNDROME, TYPE 4. Identifiers: Orphanet 564, MedGen C1970161, MONDO:0012626, OMIM 611134.
Senior-Loken syndrome 6 (SLSN6). Identifiers: Orphanet 3156, MedGen C1857779, MONDO:0012433, OMIM 610189.
Leber congenital amaurosis 10 (LCA10). Identifiers: Orphanet 65, MedGen C1857821, MONDO:0012723, OMIM 611755.
Joubert syndrome 5 (JBTS5). Identifiers: Orphanet 2318, MedGen C1857780, MONDO:0012432, OMIM 610188.
Leber congenital amaurosis (LCA). Also called: Leber's amaurosis. Identifiers: Orphanet 65, MedGen C0339527, MeSH D057130, MONDO:0018998.

Allele frequency attached by ClinVar (database versions not stated): TOPMed 0.00003; gnomAD exomes 0.00008; ExAC 0.00011.
gnomAD v4.1: 47 of 1,612,770 alleles (0.0029%); highest among the groups gnomAD compares: Non-Finnish European, 0.0038%; no homozygotes.

Submissions (5):

PreventionGenetics, part of Exact Sciences
Classification: Uncertain significance for CEP290-related condition. Last evaluated: 2026-02-17. Review status: criteria provided, single submitter. Criteria: ACMG Guidelines, 2015. Collection method: clinical testing. Allele origin: germline.
Comment: The CEP290 c.4343C>G variant is predicted to result in the amino acid substitution p.Pro1448Arg. To our knowledge, this variant has not been reported in the literature. This variant is reported in 0.016% of alleles in individuals of European (Non-Finnish) descent in gnomAD. At this time, the clinical significance of this variant is uncertain due to the absence of conclusive functional and genetic evidence.

Blueprint Genetics
Classification: Uncertain significance. Last evaluated: 2024-02-19. Review status: criteria provided, single submitter. Criteria: ACMG Guidelines, 2015. Collection method: clinical testing. Allele origin: germline.

Labcorp Genetics (formerly Invitae), Labcorp
Classification: Uncertain significance for Joubert syndrome; Meckel-Gruber syndrome; Nephronophthisis. Last evaluated: 2022-03-12. Review status: criteria provided, single submitter. Criteria: Invitae Variant Classification Sherloc (09022015). Collection method: clinical testing. Allele origin: germline.
Comment: This sequence change replaces proline, which is neutral and non-polar, with arginine, which is basic and polar, at codon 1448 of the CEP290 protein (p.Pro1448Arg). This variant is present in population databases (rs757356455, gnomAD 0.02%). This variant has not been reported in the literature in individuals affected with CEP290-related conditions. ClinVar contains an entry for this variant (Variation ID: 1020611). Algorithms developed to predict the effect of missense changes on protein structure and function are either unavailable or do not agree on the potential impact of this missense change (SIFT: "Deleterious"; PolyPhen-2: "Probably Damaging"; Align-GVGD: "Class C0"). In summary, the available evidence is currently insufficient to determine the role of this variant in disease. Therefore, it has been classified as a Variant of Uncertain Significance.

Fulgent Genetics
Classification: Uncertain significance for Joubert syndrome 5; Senior-Loken syndrome 6; Meckel syndrome, type 4; Leber congenital amaurosis 10; Bardet-Biedl syndrome 14. Last evaluated: 2021-08-06. Review status: criteria provided, single submitter. Criteria: ACMG Guidelines, 2015. Collection method: clinical testing. Allele origin: unknown.

Natera, Inc.
Classification: Uncertain significance for Leber congenital amaurosis. Last evaluated: 2020-08-17. Review status: no assertion criteria provided. Collection method: clinical testing. Allele origin: germline. Not counted in ClinVar's aggregate classification.